The following is an entry in ClinVar:

ClinVar aggregate classification (germline): Benign/Likely benign. Review status: criteria provided, single submitter (1 of 4 stars). 2 submissions from 1 submitter: Benign (1); Likely benign (1). Last evaluated 2018-01-13.

Conditions:
Susceptibility to mononeuropathy of the median nerve, mild. Also called: CARPAL TUNNEL SYNDROME, SUSCEPTIBILITY TO. Identifiers: MedGen C3150596, MONDO:0013237, OMIM 613353.
Charcot-Marie-Tooth disease type 4C (CMT4C). Also called: CHARCOT-MARIE-TOOTH DISEASE, DEMYELINATING, AUTOSOMAL RECESSIVE, TYPE 4C; CMT 4C; Charcot-Marie-Tooth Neuropathy Type 4C (CMT4C); CHARCOT-MARIE-TOOTH DISEASE, DEMYELINATING, TYPE 4C; SH3TC2-Related Hereditary Motor and Sensory Neuropathy. Identifiers: Orphanet 99949, MedGen C1866636, MONDO:0011113, OMIM 601596.

Allele frequency attached by ClinVar (database versions not stated): gnomAD 0.00287 and 0.00313; TOPMed 0.00300; 1000 Genomes Project 0.00419; 1000 Genomes Project 30x 0.00453.
gnomAD v4.1: 434 of 152,208 alleles (0.29%); highest among the groups gnomAD compares: African/African-American, 1%; 2 homozygotes.

Submissions (2):

Illumina Laboratory Services, Illumina
Classification: Likely benign for Charcot-Marie-Tooth disease type 4C. Last evaluated: 2018-01-13. Review status: criteria provided, single submitter. Criteria: ICSL Variant Classification Criteria 13 December 2019. Collection method: clinical testing. Allele origin: germline.
Comment: This variant was observed in the ICSL laboratory as part of a predisposition screen in an ostensibly healthy population. It had not been previously curated by ICSL or reported in the Human Gene Mutation Database (HGMD: prior to June 1st, 2018), and was therefore a candidate for classification through an automated scoring system. Utilizing variant allele frequency, disease prevalence and penetrance estimates, and inheritance mode, an automated score was calculated to assess if this variant is too frequent to cause the disease. Based on the score and internal cut-off values, a variant classified as likely benign is not then subjected to further curation. The score for this variant resulted in a classification of likely benign for this disease.

Illumina Laboratory Services, Illumina
Classification: Benign for Susceptibility to mononeuropathy of the median nerve, mild. Last evaluated: 2018-01-13. Review status: criteria provided, single submitter. Criteria: ICSL Variant Classification Criteria 13 December 2019. Collection method: clinical testing. Allele origin: germline.
Comment: This variant was observed in the ICSL laboratory as part of a predisposition screen in an ostensibly healthy population. It had not been previously curated by ICSL or reported in the Human Gene Mutation Database (HGMD: prior to June 1st, 2018), and was therefore a candidate for classification through an automated scoring system. Utilizing variant allele frequency, disease prevalence and penetrance estimates, and inheritance mode, an automated score was calculated to assess if this variant is too frequent to cause the disease. Based on the score and internal cut-off values, a variant classified as benign is not then subjected to further curation. The score for this variant resulted in a classification of benign for this disease.

NM_024577.4(SH3TC2):c.*22212G>A

Gene: SH3TC2 (SH3 domain and tetratricopeptide repeats 2; minus strand). Cytogenetic location: 5q32.
Variant type: single nucleotide variant.
Coding change: c.*22212G>A on transcript NM_024577.4 (MANE Select); 22212 bases downstream of the stop codon, G replaced by A.
Molecular consequence: 3 prime UTR variant.
Genome position (GRCh38, 1-based): chr5:148,982,499, C>T on the plus strand (G>A on the coding strand, the complement: SH3TC2 is on the minus strand). VCF-style: chr5-148982499-C-T. GRCh37 (hg19) VCF-style: chr5-148362062-C-T.
Identifiers: ClinVar variation 351567 (VCV000351567.5), dbSNP rs149300520, ClinGen allele CA10623253.